The following is an entry in ClinVar:

ClinVar aggregate classification (germline): Uncertain significance. Review status: criteria provided, multiple submitters, no conflicts (2 of 4 stars). 8 submissions from 8 submitters: Uncertain significance (8). Last evaluated 2025-09-26.

Conditions:
Hereditary breast ovarian cancer syndrome. Also called: Breast and ovarian cancer; Hereditary breast and ovarian cancer; Hereditary breast and ovarian cancer syndrome; Hereditary breast and/or ovarian cancer syndrome; BRCA1- and BRCA2-Associated Hereditary Breast and Ovarian Cancer; Hereditary breast and ovarian cancer syndrome (HBOC). Identifiers: Orphanet 145, MedGen C0677776, MeSH D061325, MONDO:0003582. Disease mechanism: loss of function.
Breast-ovarian cancer, familial, susceptibility to, 1 (BROVCA1). Also called: BRCA1 Hereditary Breast and Ovarian Cancer; OVARIAN CANCER, SUSCEPTIBILITY TO. Identifiers: Orphanet 145, MedGen C2676676, MONDO:0011450, OMIM 604370. Disease mechanism: loss of function.
Hereditary cancer-predisposing syndrome. Also called: Tumor predisposition; Hereditary Cancer Syndrome; Neoplastic Syndromes, Hereditary; Hereditary neoplastic syndrome. Identifiers: Orphanet 140162, MedGen C0027672, MeSH D009386, MONDO:0015356.

Allele frequency attached by ClinVar (database versions not stated): gnomAD exomes 0.00001.
gnomAD v4.1: 13 of 1,613,764 alleles (0.00081%); highest among the groups gnomAD compares: Non-Finnish European, 0.0011%; no homozygotes.

Submissions (8):

Mayo Clinic Laboratories, Mayo Clinic
Classification: Uncertain significance. Last evaluated: 2025-09-26. Review status: criteria provided, single submitter. Criteria: ACMG Guidelines, 2015. Collection method: clinical testing. Allele origin: germline. Observed: 1 variant allele.
Comment: BP5_moderate, PM2_supporting

Labcorp Genetics (formerly Invitae), Labcorp
Classification: Uncertain significance for Hereditary breast ovarian cancer syndrome. Last evaluated: 2025-06-24. Review status: criteria provided, single submitter. Criteria: Invitae Variant Classification Sherloc (09022015). Collection method: clinical testing. Allele origin: germline.
Comment: This sequence change replaces glycine, which is neutral and non-polar, with arginine, which is basic and polar, at codon 160 of the BRCA1 protein (p.Gly160Arg). This variant is not present in population databases (gnomAD no frequency). This missense change has been observed in individual(s) with BRCA1-related conditions (PMID: 35402282). ClinVar contains an entry for this variant (Variation ID: 233928). Invitae Evidence Modeling of protein sequence and biophysical properties (such as structural, functional, and spatial information, amino acid conservation, physicochemical variation, residue mobility, and thermodynamic stability) indicates that this missense variant is not expected to disrupt BRCA1 protein function with a negative predictive value of 80%. Algorithms developed to predict the effect of sequence changes on RNA splicing suggest that this variant may disrupt the consensus splice site. In summary, the available evidence is currently insufficient to determine the role of this variant in disease. Therefore, it has been classified as a Variant of Uncertain Significance.

Ambry Genetics
Classification: Uncertain significance for Hereditary cancer-predisposing syndrome. Last evaluated: 2024-12-20. Review status: criteria provided, single submitter. Criteria: Ambry Variant Classification Scheme 2023. Collection method: clinical testing. Allele origin: germline.
Comment: The p.G160R variant (also known as c.478G>A), located in coding exon 6 of the BRCA1 gene, results from a G to A substitution at nucleotide position 478. The glycine at codon 160 is replaced by arginine, an amino acid with dissimilar properties. This alteration was detected in 1/1197 individuals diagnosed with breast cancer (Abdel-Razeq H et al. Front Oncol, 2022 Mar;12:673094). This amino acid position is highly conserved in available vertebrate species. In addition, this alteration is predicted to be deleterious by in silico analysis. Based on the available evidence, the clinical significance of this variant remains unclear.

Institute for Biomarker Research, Medical Diagnostic Laboratories, L.L.C.
Classification: Uncertain significance for Hereditary breast ovarian cancer syndrome. Last evaluated: 2024-12-16. Review status: criteria provided, single submitter. Criteria: ACMG Guidelines, 2015. Collection method: clinical testing. Allele origin: germline.
Comment: The missense variant NM_007294.4(BRCA1):c.478G>A (p.Gly160Arg) has not been reported previously as a pathogenic variant nor as a benign variant, to our knowledge. The p.Gly160Arg variant is novel (not in any individuals) in gnomAD. The gene BRCA1 has a low rate of benign missense variation as indicated by a high missense variants Z-Score of 2.32. The p.Gly160Arg variant is predicted to introduce a novel acceptor splice site at this position by all splice site algorithms, but it's impact on the gene product is unknown. The p.Gly160Arg missense variant is predicted to be damaging by both SIFT and PolyPhen2. For these reasons, this variant has been classified as Uncertain Significance

Baylor Genetics
Classification: Uncertain significance for Breast-ovarian cancer, familial, susceptibility to, 1. Last evaluated: 2023-11-29. Review status: criteria provided, single submitter. Criteria: ACMG Guidelines, 2015. Collection method: clinical testing. Allele origin: unknown.

Quest Diagnostics Nichols Institute San Juan Capistrano
Classification: Uncertain significance. Last evaluated: 2023-09-05. Review status: criteria provided, single submitter. Criteria: Quest Diagnostics criteria. Collection method: clinical testing. Allele origin: unknown.
Comment: In the published literature, this variant has been reported in an individual affected with breast cancer (PMID: 35402282 (2022)). Functional studies have shown that this variant likely retains DNA repair activity in one investigation (PMID: 30219179 (2018)) and reduces E3 ligase activity in another (PMID: 25823446 (2015)), however, further research is needed. This variant has not been reported in large, multi-ethnic general populations (Genome Aggregation Database). Analysis using software algorithms for the prediction of the effect of nucleotide changes on BRCA1 mRNA splicing yielded predictions that this variant may result in the gain of a cryptic splice site . Based on the available information, we are unable to determine the clinical significance of this variant.

Sema4
Classification: Uncertain significance for Hereditary cancer-predisposing syndrome. Last evaluated: 2021-04-29. Review status: criteria provided, single submitter. Criteria: Sema4 Curation Guidelines. Collection method: curation. Allele origin: germline.
Comment: The BRCA1 c.478G>A (p.G160R) variant has not been reported in the literature to our knowledge. This variant was not observed in the large and broad cohorts of the Genome Aggregation Database. The variant has been reported in Clinvar (Variation ID 233928). In silico tools suggest the impact of the variant on protein function to be inconclusive, although these predictions have not been confirmed by functional studies. The overall evidence is insufficient to meet ACMG/AMP criteria for classifying it as benign or pathogenic. Thus, the clinical significance of this variant is currently uncertain.

Color Diagnostics, LLC DBA Color Health
Classification: Uncertain significance for Hereditary cancer-predisposing syndrome. Last evaluated: 2019-06-19. Review status: criteria provided, single submitter. Criteria: ACMG Guidelines, 2015. Collection method: clinical testing. Allele origin: germline.

Literature cited by the submitters: PubMed 25823446 (cited by Mayo Clinic Laboratories, Mayo Clinic and Quest Diagnostics Nichols Institute San Juan Capistrano); PubMed 30219179 (cited by Mayo Clinic Laboratories, Mayo Clinic and Quest Diagnostics Nichols Institute San Juan Capistrano); PubMed 33087888 (cited by Mayo Clinic Laboratories, Mayo Clinic and Quest Diagnostics Nichols Institute San Juan Capistrano); PubMed 35402282 (cited by 4 submitters); PubMed 31911673 (cited by Quest Diagnostics Nichols Institute San Juan Capistrano); PubMed 31853058 (cited by Quest Diagnostics Nichols Institute San Juan Capistrano); PubMed 29884841 (cited by Quest Diagnostics Nichols Institute San Juan Capistrano); PubMed 29203703 (cited by Quest Diagnostics Nichols Institute San Juan Capistrano); PubMed 26295337 (cited by Quest Diagnostics Nichols Institute San Juan Capistrano).

NM_007294.4(BRCA1):c.478G>A (p.Gly160Arg)

Gene: BRCA1 (BRCA1 DNA repair associated; minus strand). Cytogenetic location: 17q21.31.
Variant type: single nucleotide variant.
Coding change: c.478G>A on transcript NM_007294.4 (MANE Select); coding-DNA position 478, G replaced by A.
Protein change: p.Gly160Arg; replaces glycine 160 with arginine.
Molecular consequence: missense variant. On other transcripts: non-coding transcript variant (1).
Genome position (GRCh38, 1-based): chr17:43,099,844, C>T on the plus strand (G>A on the coding strand, the complement: BRCA1 is on the minus strand). VCF-style: chr17-43099844-C-T. GRCh37 (hg19) VCF-style: chr17-41251861-C-T.
Other names: c.265G>A, p.Gly89Arg (NM_001407918.1, NM_001407954.1, NM_001407955.1 and 18 more transcripts); c.478G>A, p.Gly160Arg (NM_001407919.1, NM_001407937.1, NM_001407938.1 and 97 more transcripts); c.337G>A, p.Gly113Arg (NM_001407920.1, NM_001407921.1, NM_001407922.1 and 61 more transcripts); c.334G>A, p.Gly112Arg (NM_001407930.1, NM_001407931.1, NM_001407932.1 and 35 more transcripts); c.475G>A, p.Gly159Arg (NM_001407940.1, NM_001407941.1, NM_001407972.1 and 65 more transcripts); c.268G>A, p.Gly90Arg (NM_001407946.1, NM_001407947.1, NM_001407948.1 and 37 more transcripts); c.97G>A, p.Gly33Arg (NM_001407959.1, NM_001407960.1, NM_001407963.1 and 3 more transcripts); c.94G>A, p.Gly32Arg (NM_001407962.1); and 4 more; short protein forms G160R, G113R, G32R, G90R, G115R, G133R, G134R, G157R.
Identifiers: ClinVar variation 233928 (VCV000233928.24), dbSNP rs62625285, ClinGen allele CA10580694.